The following is an entry in ClinVar:

ClinVar aggregate classification (germline): Benign. Review status: criteria provided, multiple submitters, no conflicts (2 of 4 stars). 5 submissions from 5 submitters: Benign (5). Last evaluated 2026-02-04.

Conditions:
Transcobalamin II deficiency (TCN2D). Also called: TC II DEFICIENCY; TCN2 DEFICIENCY; Transcolabamin II deficiency. Identifiers: Orphanet 859, MedGen C0342701, MONDO:0010149, OMIM 275350.

Allele frequency attached by ClinVar (database versions not stated): ESP Exome Variant Server 0.11179; TOPMed 0.13220; 1000 Genomes Project 0.15715; 1000 Genomes Project 30x 0.16537.
gnomAD v4.1: 68,200 of 1,613,694 alleles (4.2%); highest among the groups gnomAD compares: African/African-American, 30%; 6,231 homozygotes.

Submissions (5):

Labcorp Genetics (formerly Invitae), Labcorp
Classification: Benign for Transcobalamin II deficiency. Last evaluated: 2026-02-04. Review status: criteria provided, single submitter. Criteria: Invitae Variant Classification Sherloc (09022015). Collection method: clinical testing. Allele origin: germline.

Mayo Clinic Laboratories, Mayo Clinic
Classification: Benign. Last evaluated: 2021-04-07. Review status: criteria provided, single submitter. Criteria: ACMG Guidelines, 2015. Collection method: clinical testing. Allele origin: germline. Observed: 11 variant alleles.

GeneDx
Classification: Benign. Last evaluated: 2018-07-31. Review status: criteria provided, single submitter. Criteria: GeneDx Variant Classification Process June 2021. Collection method: clinical testing. Allele origin: germline. Affected: yes.

Illumina Laboratory Services, Illumina
Classification: Benign for Transcobalamin II deficiency. Last evaluated: 2018-01-12. Review status: criteria provided, single submitter. Criteria: ICSL Variant Classification Criteria 13 December 2019. Collection method: clinical testing. Allele origin: germline.
Comment: This variant was observed in the ICSL laboratory as part of a predisposition screen in an ostensibly healthy population. It had not been previously curated by ICSL or reported in the Human Gene Mutation Database (HGMD: prior to June 1st, 2018), and was therefore a candidate for classification through an automated scoring system. Utilizing variant allele frequency, disease prevalence and penetrance estimates, and inheritance mode, an automated score was calculated to assess if this variant is too frequent to cause the disease. Based on the score and internal cut-off values, a variant classified as benign is not then subjected to further curation. The score for this variant resulted in a classification of benign for this disease.

Breakthrough Genomics
Classification: Benign. Review status: criteria provided, single submitter. Criteria: ACMG Guidelines, 2015. Collection method: not provided. Allele origin: germline. Inheritance: Autosomal recessive inheritance. Affected: yes.

NM_000355.4(TCN2):c.581-8A>C

Gene: TCN2 (transcobalamin 2; plus strand). Cytogenetic location: 22q12.2.
Variant type: single nucleotide variant.
Coding change: c.581-8A>C on transcript NM_000355.4 (MANE Select); 8 bases into the intron before coding-DNA position 581, A replaced by C.
Molecular consequence: intron variant.
Genome position (GRCh38, 1-based): chr22:30,615,293, A>C. VCF-style: chr22-30615293-A-C. GRCh37 (hg19) VCF-style: chr22-31011280-A-C.
Other names: p.?; c.500-8A>C (NM_001184726.2).
Identifiers: ClinVar variation 341199 (VCV000341199.17), dbSNP rs7290898, ClinGen allele CA10184741.